The following is an entry in ClinVar:

NM_001127222.2(CACNA1A):c.1990C>T (p.Leu664=)

Gene: CACNA1A (calcium voltage-gated channel subunit alpha1 A; minus strand). Cytogenetic location: 19p13.13.
Variant type: single nucleotide variant.
Coding change: c.1990C>T on transcript NM_001127222.2 (MANE Select); coding-DNA position 1990, C replaced by T.
Protein change: p.Leu664=; no amino-acid change (leucine 664 retained).
Molecular consequence: synonymous variant.
Genome position (GRCh38, 1-based): chr19:13,303,881, G>A on the plus strand (C>T on the coding strand, the complement: CACNA1A is on the minus strand). VCF-style: chr19-13303881-G-A. GRCh37 (hg19) VCF-style: chr19-13414695-G-A.
Other names: c.1993C>T, p.Leu665= (NM_000068.4, NM_001127221.2, NM_001174080.2 and 1 more transcripts); c.1990C>T (NM_001127222.1).
Identifiers: ClinVar variation 514216 (VCV000514216.13), dbSNP rs1246140836, ClinGen allele CA505661063.
Genomic context (GRCh38, chr19:13,303,881, plus strand): 5'-GCACGCCCCCCTGAGACTTGATCCCGTCGTACATGACCTCGTTCCAGTCTTCGCCCGTCA[G>A]GATCTGAAAGGGGAGGAAGAAACACACAGCCAACCCCCCTCTCAGCCACGGGCCCCTTGG-3'
Protein context (NP_001120694.1, residues 654-674): PAAIMTVFQI[Leu664=]TGEDWNEVMY

ClinVar aggregate classification (germline): Likely benign. Review status: criteria provided, multiple submitters, no conflicts (2 of 4 stars). 4 submissions from 4 submitters: Likely benign (3). 1 of the submissions does not count toward it. Last evaluated 2025-04-27.

Conditions:
Episodic ataxia type 2 (EA2). Also called: ATAXIA, EPISODIC, WITH NYSTAGMUS; ATAXIA, FAMILIAL PAROXYSMAL; CEREBELLAR ATAXIA, PAROXYSMAL, ACETAZOLAMIDE-RESPONSIVE; CEREBELLOPATHY, HEREDITARY PAROXYSMAL; EPISODIC ATAXIA, NYSTAGMUS-ASSOCIATED; ACETAZOLAMIDE-RESPONSIVE HEREDITARY PAROXYSMAL CEREBELLAR ATAXIA. Identifiers: Orphanet 97, MedGen C1720416, MONDO:0007163, OMIM 108500.
Developmental and epileptic encephalopathy, 42 (DEE42A). Also called: DEVELOPMENTAL AND EPILEPTIC ENCEPHALOPATHY 42A; EPILEPTIC ENCEPHALOPATHY, EARLY INFANTILE, 42A; Epileptic encephalopathy, early infantile, 42. Identifiers: MedGen C4310716, MONDO:0014917, OMIM 617106.
CACNA1A-related disorder. Also called: CACNA1A-related condition.

Allele frequency attached by ClinVar (database versions not stated): gnomAD exomes 0.00001; TOPMed 0.00002; gnomAD 0.00003.
gnomAD v4.1: 7 of 1,607,556 alleles (0.00044%); highest among the groups gnomAD compares: South Asian, 0.0011%; no homozygotes.

Submissions (4):

Labcorp Genetics (formerly Invitae), Labcorp
Classification: Likely benign for Developmental and epileptic encephalopathy, 42; Episodic ataxia type 2. Last evaluated: 2025-04-27. Review status: criteria provided, single submitter. Criteria: Invitae Variant Classification Sherloc (09022015). Collection method: clinical testing. Allele origin: germline.

Women's Health and Genetics/Laboratory Corporation of America, LabCorp
Classification: Likely benign. Last evaluated: 2024-01-04. Review status: criteria provided, single submitter. Criteria: LabCorp Variant Classification Summary - May 2015. Collection method: clinical testing. Allele origin: germline.

GeneDx
Classification: Likely benign. Last evaluated: 2017-12-21. Review status: criteria provided, single submitter. Criteria: GeneDx Variant Classification (06012015). Collection method: clinical testing. Allele origin: germline. Affected: yes.
Comment: This variant is considered likely benign or benign based on one or more of the following criteria: it is a conservative change, it occurs at a poorly conserved position in the protein, it is predicted to be benign by multiple in silico algorithms, and/or has population frequency not consistent with disease.

PreventionGenetics, part of Exact Sciences
Classification: Likely benign for CACNA1A-related condition. Last evaluated: 2019-11-20. Review status: no assertion criteria provided. Collection method: clinical testing. Allele origin: germline. Not counted in ClinVar's aggregate classification.
Comment: This variant is classified as likely benign based on ACMG/AMP sequence variant interpretation guidelines (Richards et al. 2015 PMID: 25741868, with internal and published modifications).